The following is an entry in ClinVar:

ClinVar aggregate classification (germline): Conflicting classifications of pathogenicity. Review status: criteria provided, conflicting classifications (1 of 4 stars). 5 submissions from 5 submitters: Uncertain significance (4); Likely benign (1). Last evaluated 2025-04-25.

Conditions:
Hereditary cancer-predisposing syndrome. Also called: Hereditary Cancer Syndrome; Neoplastic Syndromes, Hereditary; Tumor predisposition; Hereditary neoplastic syndrome. Identifiers: Orphanet 140162, MedGen C0027672, MeSH D009386, MONDO:0015356.
BRCA2-related cancer predisposition. Identifiers: MedGen CN377758, MONDO:0700269.
Hereditary breast ovarian cancer syndrome. Also called: Breast and ovarian cancer; Hereditary breast and ovarian cancer syndrome (HBOC); Hereditary breast and ovarian cancer; Hereditary breast and/or ovarian cancer syndrome; BRCA1- and BRCA2-Associated Hereditary Breast and Ovarian Cancer; Hereditary breast and ovarian cancer syndrome. Identifiers: Orphanet 145, MedGen C0677776, MeSH D061325, MONDO:0003582. Disease mechanism: loss of function.

gnomAD v4.1: 4 of 1,613,910 alleles (0.00025%); highest among the groups gnomAD compares: Non-Finnish European, 0.00034%; no homozygotes.

Submissions (5):

Clinical Genetics Laboratory, Skane University Hospital Lund
Classification: Uncertain significance for Hereditary breast ovarian cancer syndrome. Last evaluated: 2025-04-25. Review status: criteria provided, single submitter. Criteria: ACMG Guidelines, 2015. Collection method: clinical testing. Allele origin: germline. Affected: yes.
Comment: ACMG criteria used: BP1_Strong

Ambry Genetics
Classification: Uncertain significance for Hereditary cancer-predisposing syndrome. Last evaluated: 2024-11-25. Review status: criteria provided, single submitter. Criteria: Ambry Variant Classification Scheme 2023. Collection method: clinical testing. Allele origin: germline.
Comment: The p.G1976E variant (also known as c.5927G>A), located in coding exon 10 of the BRCA2 gene, results from a G to A substitution at nucleotide position 5927. The glycine at codon 1976 is replaced by glutamic acid, an amino acid with similar properties. This amino acid position is highly conserved in available vertebrate species. In addition, the in silico prediction for this alteration is inconclusive. Based on the available evidence, the clinical significance of this variant remains unclear.

All of Us Research Program, National Institutes of Health
Classification: Uncertain significance for BRCA2-related cancer predisposition. Last evaluated: 2024-05-14. Review status: criteria provided, single submitter. Criteria: ACMG Guidelines, 2015. Collection method: clinical testing. Allele origin: germline. Inheritance: Autosomal dominant inheritance. Observed: 1 variant allele, 1 heterozygote.
Comment: This missense variant replaces glycine with glutamic acid at codon 1976 of the BRCA2 protein. Computational prediction is inconclusive regarding the impact of this variant on protein structure and function. To our knowledge, functional studies have not been reported for this variant. This variant has not been reported in individuals affected with BRCA2-related disorders in the literature. This variant has been identified in 4/250792 chromosomes in the general population by the Genome Aggregation Database (gnomAD). The available evidence is insufficient to determine the role of this variant in disease conclusively. Therefore, this variant is classified as a Variant of Uncertain Significance.

This study involves interpretation of variants in research participants for the purpose of population health screening. Participant phenotype was not available at the time of variant classification. Additional details can be found in publication PMID: 35346344, PMCID: PMC8962531

University of Washington Department of Laboratory Medicine, University of Washington
Classification: Likely benign for Hereditary cancer-predisposing syndrome. Last evaluated: 2023-03-23. Review status: criteria provided, single submitter. Criteria: Dines et al. (Genet Med. 2020). Collection method: curation. Allele origin: germline.
Comment: Missense variant in a coldspot region where missense variants are very unlikely to be pathogenic (PMID:31911673).

BRCA2 exon 11 coldspot. Reclassification based on statistical prior probability.

Labcorp Genetics (formerly Invitae), Labcorp
Classification: Uncertain significance for Hereditary breast ovarian cancer syndrome. Last evaluated: 2020-02-17. Review status: criteria provided, single submitter. Criteria: Invitae Variant Classification Sherloc (09022015). Collection method: clinical testing. Allele origin: germline.
Comment: This sequence change replaces glycine with glutamic acid at codon 1976 of the BRCA2 protein (p.Gly1976Glu). The glycine residue is highly conserved and there is a moderate physicochemical difference between glycine and glutamic acid. This variant is present in population databases (rs587782751, ExAC 0.006%). This variant has not been reported in the literature in individuals with BRCA2-related conditions. Algorithms developed to predict the effect of missense changes on protein structure and function are either unavailable or do not agree on the potential impact of this missense change (SIFT: "Deleterious"; PolyPhen-2: "Benign"; Align-GVGD: "Class C0"). In summary, the available evidence is currently insufficient to determine the role of this variant in disease. Therefore, it has been classified as a Variant of Uncertain Significance.

NM_000059.4(BRCA2):c.5927G>A (p.Gly1976Glu)

Gene: BRCA2 (BRCA2 DNA repair associated; plus strand). Cytogenetic location: 13q13.1.
Variant type: single nucleotide variant.
Coding change: c.5927G>A on transcript NM_000059.4 (MANE Select); coding-DNA position 5927, G replaced by A.
Protein change: p.Gly1976Glu; replaces glycine 1976 with glutamic acid.
Molecular consequence: missense variant.
Genome position (GRCh38, 1-based): chr13:32,340,282, G>A. VCF-style: chr13-32340282-G-A. GRCh37 (hg19) VCF-style: chr13-32914419-G-A.
Other names: c.5927G>A (NM_000059.3); short protein forms G1976E.
Identifiers: ClinVar variation 1024019 (VCV001024019.16), dbSNP rs587782751, ClinGen allele CA6940914.